The following is an entry in ClinVar:

ClinVar aggregate classification (germline): Uncertain significance. Review status: criteria provided, single submitter (1 of 4 stars). 2 submissions from 2 submitters: Uncertain significance (1). 1 of the submissions does not count toward it. Last evaluated 2025-08-12.

Conditions:
Inborn genetic diseases. Identifiers: MedGen C0950123, MeSH D030342.
CPE-related disorder. Also called: CPE-related condition.

Allele frequency attached by ClinVar (database versions not stated): ExAC 0.00001; gnomAD 0.00001; TOPMed 0.00001; gnomAD exomes 0.00003.

Submissions (2):

Ambry Genetics
Classification: Uncertain significance for Inborn genetic diseases. Last evaluated: 2025-08-12. Review status: criteria provided, single submitter. Criteria: Ambry Variant Classification Scheme 2023. Collection method: clinical testing. Allele origin: germline.

PreventionGenetics, part of Exact Sciences
Classification: Uncertain significance for CPE-related condition. Last evaluated: 2024-02-26. Review status: no assertion criteria provided. Collection method: clinical testing. Allele origin: germline. Not counted in ClinVar's aggregate classification.
Comment: The CPE c.590T>C variant is predicted to result in the amino acid substitution p.Ile197Thr. To our knowledge, this variant has not been reported in the literature. This variant is reported in 0.0018% of alleles in individuals of European (Non-Finnish) descent in gnomAD. At this time, the clinical significance of this variant is uncertain due to the absence of conclusive functional and genetic evidence.

NM_001873.4(CPE):c.590T>C (p.Ile197Thr)

Gene: CPE (carboxypeptidase E; plus strand). Cytogenetic location: 4q32.3.
Variant type: single nucleotide variant.
Coding change: c.590T>C on transcript NM_001873.4 (MANE Select); coding-DNA position 590, T replaced by C.
Protein change: p.Ile197Thr; replaces isoleucine 197 with threonine.
Molecular consequence: missense variant.
Genome position (GRCh38, 1-based): chr4:165,467,773, T>C. VCF-style: chr4-165467773-T-C. GRCh37 (hg19) VCF-style: chr4-166388925-T-C.
Other names: c.590T>C (NM_001873.2); short protein forms I197T.
Identifiers: ClinVar variation 3057502 (VCV003057502.3), dbSNP rs778955407, ClinGen allele CA3130213.